The following is an entry in ClinVar:

NM_006080.3(SEMA3A):c.1485C>T (p.Ser495=)

Gene: SEMA3A (semaphorin 3A; minus strand). Cytogenetic location: 7q21.11.
Variant type: single nucleotide variant.
Coding change: c.1485C>T on transcript NM_006080.3 (MANE Select); coding-DNA position 1485, C replaced by T.
Protein change: p.Ser495=; no amino-acid change (serine 495 retained).
Molecular consequence: synonymous variant.
Genome position (GRCh38, 1-based): chr7:83,985,445, G>A on the plus strand (C>T on the coding strand, the complement: SEMA3A is on the minus strand). VCF-style: chr7-83985445-G-A. GRCh37 (hg19) VCF-style: chr7-83614761-G-A.
Identifiers: ClinVar variation 3032806 (VCV003032806.2), dbSNP rs1789588025, ClinGen allele CA456145124.
Genomic context (GRCh38, chr7:83,985,445, plus strand): 5'-CCAGAATTAACAAAATATTGGATATTCAATGGTAATACATAATGATAGTACCTGCTTAGT[G>A]GAAAGCTCCATTGCTGAAATAGCAGTCGGTTCCTAAAGGAGAAAAAGAAATATGTGAGGT-3'
Protein context (NP_006071.1, residues 485-505): EPTAISAMEL[Ser495=]TKQQQLYIGS

ClinVar aggregate classification (germline): Likely benign (0 of 4 stars; one submission).

Conditions:
SEMA3A-related disorder. Also called: SEMA3A-related condition.

Allele frequency attached by ClinVar (database versions not stated): gnomAD exomes below 0.00001.
gnomAD v4.1: 4 of 1,610,064 alleles (0.00025%); highest among the groups gnomAD compares: East Asian, 0.0022%; no homozygotes.

Submission:

PreventionGenetics, part of Exact Sciences
Classification: Likely benign for SEMA3A-related condition. Last evaluated: 2021-09-13. Review status: no assertion criteria provided. Collection method: clinical testing. Allele origin: germline.
Comment: This variant is classified as likely benign based on ACMG/AMP sequence variant interpretation guidelines (Richards et al. 2015 PMID: 25741868, with internal and published modifications).